The following is an entry in ClinVar:

ClinVar aggregate classification (germline): Uncertain significance (1 of 4 stars; one submission).

Allele frequency attached by ClinVar (database versions not stated): TOPMed below 0.00001; ExAC 0.00001; gnomAD exomes 0.00001.
gnomAD v4.1: 9 of 1,609,124 alleles (0.00056%); highest among the groups gnomAD compares: Non-Finnish European, 0.00076%; no homozygotes.

Submission:

Labcorp Genetics (formerly Invitae), Labcorp
Classification: Uncertain significance. Last evaluated: 2023-12-09. Review status: criteria provided, single submitter. Criteria: Invitae Variant Classification Sherloc (09022015). Collection method: clinical testing. Allele origin: germline.
Comment: This sequence change replaces proline, which is neutral and non-polar, with serine, which is neutral and polar, at codon 631 of the ZNF408 protein (p.Pro631Ser). This variant is present in population databases (rs761895730, gnomAD 0.002%). This variant has not been reported in the literature in individuals affected with ZNF408-related conditions. An algorithm developed to predict the effect of missense changes on protein structure and function (PolyPhen-2) suggests that this variant is likely to be tolerated. In summary, the available evidence is currently insufficient to determine the role of this variant in disease. Therefore, it has been classified as a Variant of Uncertain Significance.

NM_024741.3(ZNF408):c.1891C>T (p.Pro631Ser)

Gene: ZNF408 (zinc finger protein 408; plus strand). Cytogenetic location: 11p11.2.
Variant type: single nucleotide variant.
Coding change: c.1891C>T on transcript NM_024741.3 (MANE Select); coding-DNA position 1891, C replaced by T.
Protein change: p.Pro631Ser; replaces proline 631 with serine.
Molecular consequence: missense variant.
Genome position (GRCh38, 1-based): chr11:46,705,591, C>T. VCF-style: chr11-46705591-C-T. GRCh37 (hg19) VCF-style: chr11-46727141-C-T.
Other names: c.1867C>T, p.Pro623Ser (NM_001184751.2); short protein forms P631S, P623S.
Identifiers: ClinVar variation 2879409 (VCV002879409.3), dbSNP rs761895730, ClinGen allele CA5966667.